The following is an entry in ClinVar:

NM_001375808.2(LPIN2):c.1169-7del

Gene: LPIN2 (lipin 2; minus strand). Cytogenetic location: 18p11.31.
Variant type: Deletion.
Coding change: c.1169-7del on transcript NM_001375808.2 (MANE Select); 7 bases into the intron before coding-DNA position 1169, one base deleted (T; older notation c.1169-7delT).
Molecular consequence: intron variant.
Genome position (GRCh38, 1-based): chr18:2,934,457, A deleted on the plus strand (T on the coding strand, the reverse complement: LPIN2 is on the minus strand); the first of 10 consecutive A bases (chr18:2,934,457-2,934,466); deleting any one gives the same sequence. VCF-style (leftmost placement, unchanged base first): chr18-2934456-TA-T. GRCh37 (hg19) VCF-style: chr18-2934454-TA-T.
Other names: p.?; c.1169-7delT (NM_014646.2); c.1169-7del (NM_014646.2, NM_001375809.1).
Identifiers: ClinVar variation 326643 (VCV000326643.73), dbSNP rs746626720, ClinGen allele CA8873176.

ClinVar aggregate classification (germline): Benign/Likely benign. Review status: criteria provided, multiple submitters, no conflicts (2 of 4 stars). 10 submissions from 10 submitters: Benign (4); Likely benign (6). Last evaluated 2026-02-11.

Conditions:
Majeed syndrome (MJDS). Also called: LPIN2-Related Majeed Syndrome; CHRONIC RECURRENT MULTIFOCAL OSTEOMYELITIS 1, WITH CONGENITAL DYSERYTHROPOIETIC ANEMIA, WITH OR WITHOUT NEUTROPHILIC DERMATOSIS. Identifiers: Orphanet 77297, MedGen C1864997, MONDO:0012316, OMIM 609628.
Autoinflammatory syndrome. Identifiers: Orphanet 93665, MedGen C3890737, MONDO:0019751.

Submissions (10):

Women's Health and Genetics/Laboratory Corporation of America, LabCorp
Classification: Benign. Last evaluated: 2026-02-11. Review status: criteria provided, single submitter. Criteria: LabCorp Variant Classification Summary - May 2015. Collection method: clinical testing. Allele origin: germline.
Comment: Variant summary: LPIN2 c.1169-7delT alters a nucleotide located at a position not widely known to affect splicing. Consensus agreement among computation tools predict no significant impact on normal splicing. However, these predictions have yet to be confirmed by functional studies. The variant allele was found at a frequency of 0.0017 in 1489818 control chromosomes, predominantly at a frequency of 0.0052 within the African or African-American subpopulation in the gnomAD v4 database, including 4 homozygotes. The observed variant frequency within African or African-American control individuals in the gnomAD database exceeds the estimated maximal expected allele frequency for disease-causing variants in LPIN2. To our knowledge, no occurrence of c.1169-7delT in individuals affected with LPIN2-related conditions and no experimental evidence demonstrating its impact on protein function have been reported. ClinVar contains an entry for this variant (Variation ID: 326643). Based on the evidence outlined above, the variant was classified as benign.

Labcorp Genetics (formerly Invitae), Labcorp
Classification: Benign for Majeed syndrome. Last evaluated: 2026-01-23. Review status: criteria provided, single submitter. Criteria: Invitae Variant Classification Sherloc (09022015). Collection method: clinical testing. Allele origin: germline.

Mayo Clinic Laboratories, Mayo Clinic
Classification: Likely benign. Last evaluated: 2025-09-22. Review status: criteria provided, single submitter. Criteria: ACMG Guidelines, 2015. Collection method: clinical testing. Allele origin: germline. Observed: 1 variant allele.
Comment: BS1, BP4, BP7

Blueprint Genetics
Classification: Likely benign. Last evaluated: 2024-11-25. Review status: criteria provided, single submitter. Criteria: ACMG Guidelines, 2015. Collection method: clinical testing. Allele origin: germline.

ARUP Laboratories, Molecular Genetics and Genomics, ARUP Laboratories
Classification: Likely benign for Majeed syndrome. Last evaluated: 2024-08-08. Review status: criteria provided, single submitter. Criteria: ARUP Molecular Germline Variant Investigation Process 2024. Collection method: clinical testing. Allele origin: germline.

Genome Diagnostics Laboratory, The Hospital for Sick Children
Classification: Benign for Autoinflammatory syndrome. Last evaluated: 2021-03-19. Review status: criteria provided, single submitter. Criteria: ACMG Guidelines, 2015. Collection method: clinical testing. Allele origin: germline. Affected: yes.

GeneDx
Classification: Likely benign. Last evaluated: 2018-06-20. Review status: criteria provided, single submitter. Criteria: GeneDx Variant Classification (06012015). Collection method: clinical testing. Allele origin: germline. Affected: yes.
Comment: This variant is considered likely benign or benign based on one or more of the following criteria: it is a conservative change, it occurs at a poorly conserved position in the protein, it is predicted to be benign by multiple in silico algorithms, and/or has population frequency not consistent with disease.

CeGaT Center for Human Genetics Tuebingen
Classification: Likely benign. Last evaluated: 2018-02-01. Review status: criteria provided, single submitter. Criteria: CeGaT Center For Human Genetics Tuebingen Variant Classification Criteria Version 2. Collection method: clinical testing. Allele origin: germline. Affected: yes. Observed: 1 variant allele.

Clinical Genetics DNA and cytogenetics Diagnostics Lab, Erasmus MC, Erasmus Medical Center
Classification: Benign for Majeed syndrome. Last evaluated: 2017-11-17. Review status: criteria provided, single submitter. Criteria: ACGS Guidelines, 2013. Collection method: clinical testing. Allele origin: germline. Affected: yes. Study: VKGL Data-share Consensus.

Genome Diagnostics Laboratory, University Medical Center Utrecht
Classification: Likely benign for Majeed syndrome. Last evaluated: 2014-10-09. Review status: criteria provided, single submitter. Criteria: ACGS Guidelines, 2013. Collection method: clinical testing. Allele origin: germline. Affected: yes. Study: VKGL Data-share Consensus.